The following is an entry in ClinVar:

NM_004273.5(CHST3):c.763del (p.Leu255fs)

Gene: CHST3 (carbohydrate sulfotransferase 3; plus strand). Cytogenetic location: 10q22.1.
Variant type: Deletion.
Coding change: c.763del on transcript NM_004273.5 (MANE Select); coding-DNA position 763, one base deleted (C; older notation c.763delC).
Protein change: p.Leu255fs; shifts the reading frame from leucine 255.
Molecular consequence: frameshift variant.
Genome position (GRCh38, 1-based): chr10:72,007,794, C deleted; the last of 5 consecutive C bases (chr10:72,007,790-72,007,794); deleting any one gives the same sequence. VCF-style (leftmost placement, unchanged base first): chr10-72007789-GC-G. GRCh37 (hg19) VCF-style: chr10-73767547-GC-G.
Other names: short protein forms L255fs.
Identifiers: ClinVar variation 1454776 (VCV001454776.7), dbSNP rs1564532377, ClinGen allele CA594706448.

ClinVar aggregate classification (germline): Pathogenic (1 of 4 stars; one submission).

Conditions:
Spondyloepiphyseal dysplasia with congenital joint dislocations (SEDCJD). Also called: Chondrodysplasia with Congenital Joint Dislocations, CHST3-Related. Identifiers: Orphanet 263463, MedGen C1837657, MONDO:0007738, OMIM 143095.

Submission:

Labcorp Genetics (formerly Invitae), Labcorp
Classification: Pathogenic for Spondyloepiphyseal dysplasia with congenital joint dislocations. Last evaluated: 2024-05-06. Review status: criteria provided, single submitter. Criteria: Invitae Variant Classification Sherloc (09022015). Collection method: clinical testing. Allele origin: germline.
Comment: This sequence change creates a premature translational stop signal (p.Leu255Serfs*3) in the CHST3 gene. While this is not anticipated to result in nonsense mediated decay, it is expected to disrupt the last 225 amino acid(s) of the CHST3 protein. This variant is present in population databases (no rsID available, gnomAD 0.003%). This variant has not been reported in the literature in individuals affected with CHST3-related conditions. ClinVar contains an entry for this variant (Variation ID: 1454776). This variant disrupts a region of the CHST3 protein in which other variant(s) (p.p.Glu268*) have been determined to be pathogenic (PMID: 26572954). This suggests that this is a clinically significant region of the protein, and that variants that disrupt it are likely to be disease-causing. For these reasons, this variant has been classified as Pathogenic.

Literature cited by the submitters: PubMed 26572954.